The following is an entry in ClinVar:

ClinVar aggregate classification (germline): Uncertain significance (1 of 4 stars; one submission).

Submission:

Dasa
Classification: Uncertain significance. Last evaluated: 2026-01-15. Review status: criteria provided, single submitter. Criteria: DASA Assertion Criteria. Collection method: clinical testing. Allele origin: germline.
Comment: NM_001378414.1(HDAC4):c.1106G>T (p.Gly369Val) is a missense variant that results in the substitution of glycine with valine. This variant is rare in population databases. Computational prediction algorithms are consistent with a benign effect. The currently available literature and clinical evidence are not sufficient to establish a definitive association between this variant and the reported condition. Therefore, this variant is classified as a variant of uncertain significance.

NM_001378414.1(HDAC4):c.1106G>T (p.Gly369Val)

Gene: HDAC4 (histone deacetylase 4; minus strand). Cytogenetic location: 2q37.3.
Variant type: single nucleotide variant.
Coding change: c.1106G>T on transcript NM_001378414.1 (MANE Select); coding-DNA position 1106, G replaced by T.
Protein change: p.Gly369Val; replaces glycine 369 with valine.
Molecular consequence: missense variant.
Genome position (GRCh38, 1-based): chr2:239,134,433, C>A on the plus strand (G>T on the coding strand, the complement: HDAC4 is on the minus strand). VCF-style: chr2-239134433-C-A. GRCh37 (hg19) VCF-style: chr2-240056129-C-A.
Other names: c.962G>T, p.Gly321Val (NM_001435993.1); c.1025G>T, p.Gly342Val (NM_001435994.1, NM_001435998.1, NM_001435991.1 and 1 more transcripts); c.1091G>T, p.Gly364Val (NM_001435996.1); c.1106G>T, p.Gly369Val (NM_006037.4, NM_001378415.1, NM_001378416.1 and 1 more transcripts); short protein forms G321V, G342V, G364V, G369V.
Identifiers: ClinVar variation 4885363 (VCV004885363.2).
Genomic context (GRCh38, chr2:239,134,433, plus strand): 5'-GGGAAAAGGGAGAGCCTCTGCTGGAGGGCGGGAAGGGTGAGTCTCTCGGCGTCCTGCTGG[C>A]CCGCCGTGCCCTGGAAAGCACAGCCAGGATGCTCGGGTGGAAGGACCCATCACCACCACC-3'
Protein context (NP_001365343.1, residues 359-379): PATGPSAGTA[Gly369Val]QQDAERLTLP